The following is an entry in ClinVar:

NM_003579.4(RAD54L):c.144G>C (p.Leu48=)

Gene: RAD54L (RAD54 like; plus strand). Cytogenetic location: 1p34.1.
Variant type: single nucleotide variant.
Coding change: c.144G>C on transcript NM_003579.4 (MANE Select); coding-DNA position 144, G replaced by C.
Protein change: p.Leu48=; no amino-acid change (leucine 48 retained).
Molecular consequence: synonymous variant. On other transcripts: 5 prime UTR variant (1).
Genome position (GRCh38, 1-based): chr1:46,250,053, G>C. VCF-style: chr1-46250053-G-C. GRCh37 (hg19) VCF-style: chr1-46715725-G-C.
Other names: NP_003570.2:p.Leu48=; c.144G>C (NM_003579.3); c.144G>C, p.Leu48= (NM_001142548.2); c.-397G>C (NM_001370766.1).
Identifiers: ClinVar variation 1678933 (VCV001678933.11), dbSNP rs114069917, ClinGen allele CA834151.

ClinVar aggregate classification (germline): Likely benign. Review status: criteria provided, multiple submitters, no conflicts (2 of 4 stars). 3 submissions from 3 submitters: Likely benign (3). Last evaluated 2026-08-01.

Conditions:
Hereditary breast ovarian cancer syndrome. Also called: BRCA1- and BRCA2-Associated Hereditary Breast and Ovarian Cancer; Hereditary breast and ovarian cancer; Hereditary breast and ovarian cancer syndrome; Hereditary breast and ovarian cancer syndrome (HBOC); Breast and ovarian cancer; Hereditary breast and/or ovarian cancer syndrome. Identifiers: Orphanet 145, MedGen C0677776, MeSH D061325, MONDO:0003582. Disease mechanism: loss of function.

Allele frequency attached by ClinVar (database versions not stated): ESP Exome Variant Server 0.00277; 1000 Genomes Project 0.00459; 1000 Genomes Project 30x 0.00531.
gnomAD v4.1: 885 of 1,614,064 alleles (0.055%); highest among the groups gnomAD compares: African/African-American, 0.87%; 5 homozygotes.

Submissions (3):

CeGaT Center for Human Genetics Tuebingen
Classification: Likely benign. Last evaluated: 2026-08-01. Review status: criteria provided, single submitter. Criteria: CeGaT Center For Human Genetics Tuebingen Variant Classification Criteria Version 2. Collection method: clinical testing. Allele origin: germline. Affected: yes. Observed: 2 variant alleles.
Comment: RAD54L: BP4, BP7

National Health Laboratory Service, Universitas Academic Hospital and University of the Free State
Classification: Likely benign for Hereditary breast ovarian cancer syndrome. Last evaluated: 2022-04-19. Review status: criteria provided, single submitter. Criteria: ACMG Guidelines, 2015. Collection method: clinical testing. Allele origin: germline. Affected: yes. Observed: 2 variant alleles.

Ambry Genetics
Classification: Likely benign. Last evaluated: 2022-02-12. Review status: criteria provided, single submitter. Criteria: Ambry Variant Classification Scheme 2023. Collection method: clinical testing. Allele origin: germline.